The following is an entry in ClinVar:

NM_005989.4(AKR1D1):c.261+1G>T

Gene: AKR1D1 (aldo-keto reductase family 1 member D1; plus strand). Cytogenetic location: 7q33.
Variant type: single nucleotide variant.
Coding change: c.261+1G>T on transcript NM_005989.4 (MANE Select); the canonical splice donor site of the intron after coding-DNA position 261, G replaced by T.
Molecular consequence: splice donor variant.
Genome position (GRCh38, 1-based): chr7:138,088,769, G>T. VCF-style: chr7-138088769-G-T. GRCh37 (hg19) VCF-style: chr7-137773515-G-T.
Other names: c.261+1G>T (NM_001190906.2, NM_001190907.2).
Identifiers: ClinVar variation 288160 (VCV000288160.18), dbSNP rs201988060, ClinGen allele CA4502616.

ClinVar aggregate classification (germline): Likely pathogenic. Review status: criteria provided, multiple submitters, no conflicts (2 of 4 stars). 4 submissions from 4 submitters: Likely pathogenic (4). Last evaluated 2025-11-16.

Conditions:
AKR1D1-related disorder. Also called: AKR1D1-related condition.

Allele frequency attached by ClinVar (database versions not stated): gnomAD 0.00004 and 0.00006; TOPMed 0.00007; ESP Exome Variant Server 0.00015.
gnomAD v4.1: 117 of 1,591,008 alleles (0.0074%); highest among the groups gnomAD compares: Non-Finnish European, 0.0094%; no homozygotes.

Submissions (4):

Labcorp Genetics (formerly Invitae), Labcorp
Classification: Likely pathogenic. Last evaluated: 2025-11-16. Review status: criteria provided, single submitter. Criteria: Invitae Variant Classification Sherloc (09022015). Collection method: clinical testing. Allele origin: germline.
Comment: This sequence change affects a donor splice site in intron 2 of the AKR1D1 gene. It is expected to disrupt RNA splicing. Variants that disrupt the donor or acceptor splice site typically lead to a loss of protein function (PMID: 16199547), and loss-of-function variants in AKR1D1 are known to be pathogenic (PMID: 12970144, 19175828, 20522910, 21185810, 23679950). This variant is present in population databases (rs201988060, gnomAD 0.006%). This variant has not been reported in the literature in individuals affected with AKR1D1-related conditions. ClinVar contains an entry for this variant (Variation ID: 288160). Algorithms developed to predict the effect of sequence changes on RNA splicing suggest that this variant may disrupt the consensus splice site. In summary, the currently available evidence indicates that the variant is pathogenic, but additional data are needed to prove that conclusively. Therefore, this variant has been classified as Likely Pathogenic.

PreventionGenetics, part of Exact Sciences
Classification: Likely pathogenic for AKR1D1-related condition. Last evaluated: 2025-09-18. Review status: criteria provided, single submitter. Criteria: ACMG Guidelines, 2015. Collection method: clinical testing. Allele origin: germline.
Comment: The AKR1D1 c.261+1G>T variant is predicted to disrupt the GT donor site and interfere with normal splicing. To our knowledge, this variant has not been reported in the literature. This variant is reported in 0.0065% of alleles in individuals of European (Non-Finnish) descent in gnomAD. Variants that disrupt the consensus splice donor site in AKR1D1 are expected to be pathogenic. This variant is interpreted as likely pathogenic.

Blueprint Genetics
Classification: Likely pathogenic for AKR1D1-related disorders. Last evaluated: 2024-11-04. Review status: criteria provided, single submitter. Criteria: ACMG Guidelines, 2015. Collection method: clinical testing. Allele origin: germline. Affected: yes. Observed: 3 variant alleles.

Eurofins Ntd Llc (ga)
Classification: Likely pathogenic. Last evaluated: 2016-07-01. Review status: criteria provided, single submitter. Criteria: EGL Classification Definitions 2015. Collection method: clinical testing. Allele origin: germline. Observed: 1 variant allele, 1 heterozygote.

Literature cited by the submitters: PubMed 16199547 (cited by Labcorp Genetics (formerly Invitae), Labcorp); PubMed 12970144 (cited by Labcorp Genetics (formerly Invitae), Labcorp); PubMed 19175828 (cited by Labcorp Genetics (formerly Invitae), Labcorp); PubMed 20522910 (cited by Labcorp Genetics (formerly Invitae), Labcorp); PubMed 21185810 (cited by Labcorp Genetics (formerly Invitae), Labcorp); PubMed 23679950 (cited by Labcorp Genetics (formerly Invitae), Labcorp).